The following is an entry in ClinVar:

ClinVar aggregate classification (germline): Uncertain significance (1 of 4 stars; one submission).

Conditions:
Hypertrophic cardiomyopathy 14. Identifiers: MedGen C2750467, MONDO:0013197, OMIM 613251.

Submission:

Labcorp Genetics (formerly Invitae), Labcorp
Classification: Uncertain significance for Hypertrophic cardiomyopathy 14. Last evaluated: 2018-04-19. Review status: criteria provided, single submitter. Criteria: Invitae Variant Classification Sherloc (09022015). Collection method: clinical testing. Allele origin: germline.
Comment: This sequence change replaces methionine with isoleucine at codon 547 of the MYH6 protein (p.Met547Ile). The methionine residue is weakly conserved and there is a small physicochemical difference between methionine and isoleucine. This variant is not present in population databases (ExAC no frequency). This variant has not been reported in the literature in individuals with MYH6-related disease. Algorithms developed to predict the effect of missense changes on protein structure and function do not agree on the potential impact of this missense change (SIFT: "Deleterious"; PolyPhen-2: "Benign"; Align-GVGD: "Class C0"). In summary, the available evidence is currently insufficient to determine the role of this variant in disease. Therefore, it has been classified as a Variant of Uncertain Significance.

NM_002471.4(MYH6):c.1641G>C (p.Met547Ile)

Gene: MYH6 (myosin heavy chain 6; minus strand). Cytogenetic location: 14q11.2.
Variant type: single nucleotide variant.
Coding change: c.1641G>C on transcript NM_002471.4 (MANE Select); coding-DNA position 1641, G replaced by C.
Protein change: p.Met547Ile; replaces methionine 547 with isoleucine.
Molecular consequence: missense variant.
Genome position (GRCh38, 1-based): chr14:23,398,978, C>G on the plus strand (G>C on the coding strand, the complement: MYH6 is on the minus strand). VCF-style: chr14-23398978-C-G. GRCh37 (hg19) VCF-style: chr14-23868187-C-G.
Other names: short protein forms M547I.
Identifiers: ClinVar variation 565743 (VCV000565743.8), dbSNP rs1566513145, ClinGen allele CA389020909.
Genomic context (GRCh38, chr14:23,398,978, plus strand): 5'-TGGCTTCTGGAAATTGTTGGACTTGCCCAGGTGGTTGTCGTACAGCTTGGCCTTGAAGGT[C>G]ATGTCAGTGGCCTTGGGGAACATGCACTCCTCCTCCAGGATGGACATGATGCCCATGGGC-3'
Protein context (NP_002462.2, residues 537-557): EECMFPKATD[Met547Ile]TFKAKLYDNH